The following is an entry in ClinVar:

NM_138694.4(PKHD1):c.9302G>C (p.Arg3101Thr)

Gene: PKHD1 (PKHD1 ciliary IPT domain containing fibrocystin/polyductin; minus strand). Cytogenetic location: 6p12.3.
Variant type: single nucleotide variant.
Coding change: c.9302G>C on transcript NM_138694.4 (MANE Select); coding-DNA position 9302, G replaced by C.
Protein change: p.Arg3101Thr; replaces arginine 3101 with threonine.
Molecular consequence: missense variant.
Genome position (GRCh38, 1-based): chr6:51,748,314, C>G on the plus strand (G>C on the coding strand, the complement: PKHD1 is on the minus strand). VCF-style: chr6-51748314-C-G. GRCh37 (hg19) VCF-style: chr6-51613112-C-G.
Other names: c.9302G>C, p.Arg3101Thr (NM_170724.3); short protein forms R3101T.
Identifiers: ClinVar variation 3348215 (VCV003348215.2).

ClinVar aggregate classification (germline): Uncertain significance. Review status: criteria provided, single submitter (1 of 4 stars). 2 submissions from 2 submitters: Uncertain significance (1). 1 of the submissions does not count toward it. Last evaluated 2026-04-02.

Conditions:
PKHD1-related disorder. Also called: PKHD1-related condition.

Submissions (2):

GeneDx
Classification: Uncertain significance. Last evaluated: 2026-04-02. Review status: criteria provided, single submitter. Criteria: GeneDx Variant Classification Process June 2021. Collection method: clinical testing. Allele origin: germline.
Comment: Not observed at significant frequency in large population cohorts (gnomAD); In silico analysis supports that this missense variant has a deleterious effect on protein structure/function; Has not been previously published as pathogenic or benign to our knowledge

PreventionGenetics, part of Exact Sciences
Classification: Uncertain significance for PKHD1-related condition. Last evaluated: 2024-03-07. Review status: no assertion criteria provided. Collection method: clinical testing. Allele origin: germline. Not counted in ClinVar's aggregate classification.
Comment: The PKHD1 c.9302G>C variant is predicted to result in the amino acid substitution p.Arg3101Thr. To our knowledge, this variant has not been reported in the literature or in a large population database, indicating this variant is rare. At this time, the clinical significance of this variant is uncertain due to the absence of conclusive functional and genetic evidence.